The following is an entry in ClinVar:

ClinVar aggregate classification (germline): Likely pathogenic (1 of 4 stars; one submission).

Conditions:
Gaucher disease. Also called: Acute cerebral Gaucher disease; Cerebroside lipidosis syndrome; Gaucher splenomegaly; Sphingolipidosis 1; Glucocerebrosidosis; Glucosylceramidase deficiency. Identifiers: Orphanet 355, MedGen C0017205, MONDO:0018150.

Submission:

Natera, Inc.
Classification: Likely pathogenic for Gaucher disease. Last evaluated: 2024-08-13. Review status: criteria provided, single submitter. Criteria: Natera Variant Classification Schema (03/2026). Collection method: clinical testing. Allele origin: germline.
Comment: The c.1108T>C variant in GBA1 is a missense variant predicted to cause substitution of phenylalanine to leucine at amino acid 370. This variant is rare in the general population with a frequency below the threshold expected for the associated phenotype(s). This variant has been observed in one or more individuals affected with the associated recessive disease, as either homozygous or compound heterozygous with a second variant (PMID: 20729108). This variant has been identified in one or more affected individual with a phenotype highly consistent with the associated gene (PMID: 20729108). Computational prediction algorithms indicate this variant is likely to affect gene or protein function. Given the available evidence, this variant is classified as Likely Pathogenic.

Literature cited by the submitters: PubMed 20729108.

NM_000157.4(GBA1):c.1108T>C (p.Phe370Leu)

Genes: GBA1 (glucosylceramidase beta 1; minus strand), LOC106627981 (GBA recombination region; plus strand). Cytogenetic location: 1q22.
Variant type: single nucleotide variant.
Coding change: c.1108T>C on transcript NM_000157.4 (MANE Select); coding-DNA position 1108, T replaced by C.
Protein change: p.Phe370Leu; replaces phenylalanine 370 with leucine.
Molecular consequence: missense variant.
Genome position (GRCh38, 1-based): chr1:155,236,361, A>G on the plus strand (T>C on the coding strand, the complement: GBA1 is on the minus strand). VCF-style: chr1-155236361-A-G. GRCh37 (hg19) VCF-style: chr1-155206152-A-G.
Other names: c.1108T>C, p.Phe370Leu (NM_001005741.3, NM_001005742.3); c.847T>C, p.Phe283Leu (NM_001171811.2); c.961T>C, p.Phe321Leu (NM_001171812.2); short protein forms F283L, F321L, F370L.
Identifiers: ClinVar variation 4817670 (VCV004817670.1).